The following is an entry in ClinVar:

ClinVar aggregate classification (germline): Conflicting classifications of pathogenicity. Review status: criteria provided, conflicting classifications (1 of 4 stars). 4 submissions from 4 submitters: Uncertain significance (1); Likely benign (2). 1 of the submissions does not count toward it. Last evaluated 2026-01-20.

Conditions:
FAM111A-related disorder. Also called: FAM111A-related condition.

Allele frequency attached by ClinVar (database versions not stated): ESP Exome Variant Server 0.00062.

Submissions (4):

Labcorp Genetics (formerly Invitae), Labcorp
Classification: Likely benign. Last evaluated: 2026-01-20. Review status: criteria provided, single submitter. Criteria: Invitae Variant Classification Sherloc (09022015). Collection method: clinical testing. Allele origin: germline.

Blueprint Genetics
Classification: Likely benign. Last evaluated: 2024-10-18. Review status: criteria provided, single submitter. Criteria: ACMG Guidelines, 2015. Collection method: clinical testing. Allele origin: germline.

GeneDx
Classification: Uncertain significance. Last evaluated: 2022-08-03. Review status: criteria provided, single submitter. Criteria: GeneDx Variant Classification Process June 2021. Collection method: clinical testing. Allele origin: germline. Affected: yes.
Comment: In silico analysis supports that this missense variant has a deleterious effect on protein structure/function; Has not been previously published as pathogenic or benign to our knowledge

PreventionGenetics, part of Exact Sciences
Classification: Likely benign for FAM111A-related condition. Last evaluated: 2023-04-21. Review status: no assertion criteria provided. Collection method: clinical testing. Allele origin: germline. Not counted in ClinVar's aggregate classification.
Comment: This variant is classified as likely benign based on ACMG/AMP sequence variant interpretation guidelines (Richards et al. 2015 PMID: 25741868, with internal and published modifications).

NM_001312909.2(FAM111A):c.1285C>A (p.Pro429Thr)

Gene: FAM111A (FAM111 trypsin like peptidase A; plus strand). Cytogenetic location: 11q12.1.
Variant type: single nucleotide variant.
Coding change: c.1285C>A on transcript NM_001312909.2 (MANE Select); coding-DNA position 1285, C replaced by A.
Protein change: p.Pro429Thr; replaces proline 429 with threonine.
Molecular consequence: missense variant.
Genome position (GRCh38, 1-based): chr11:59,152,953, C>A. VCF-style: chr11-59152953-C-A. GRCh37 (hg19) VCF-style: chr11-58920426-C-A.
Other names: c.1285C>A, p.Pro429Thr (NM_001142519.3, NM_001142520.3, NM_001142521.3 and 29 more transcripts); c.1285C>A (NM_001142520.1, NM_022074.3); short protein forms P429T.
Identifiers: ClinVar variation 1596184 (VCV001596184.13), dbSNP rs149508004, ClinGen allele CA6016740.